The following is an entry in ClinVar:

ClinVar aggregate classification (germline): Uncertain significance (1 of 4 stars; one submission).

Conditions:
de Barsy syndrome. Also called: Cutis laxa-corneal clouding-oligophrenia syndrome. Identifiers: Orphanet 2962, MedGen C0268354, MONDO:0017569.
Autosomal dominant spastic paraplegia type 9. Identifiers: MedGen C1832669, MONDO:0015091.
Cutis laxa, autosomal dominant 3 (ADCL3). Identifiers: Orphanet 90348, MedGen C4225268, MONDO:0014706, OMIM 616603.

gnomAD v4.1: 5 of 1,612,984 alleles (0.00031%); highest among the groups gnomAD compares: Non-Finnish European, 0.00034%; no homozygotes.

Submission:

Labcorp Genetics (formerly Invitae), Labcorp
Classification: Uncertain significance for Autosomal dominant spastic paraplegia type 9; de Barsy syndrome; Cutis laxa, autosomal dominant 3. Last evaluated: 2019-10-14. Review status: criteria provided, single submitter. Criteria: Invitae Variant Classification Sherloc (09022015). Collection method: clinical testing. Allele origin: germline.
Comment: This sequence change replaces glutamine with histidine at codon 11 of the ALDH18A1 protein (p.Gln11His). The glutamine residue is moderately conserved and there is a small physicochemical difference between glutamine and histidine. This variant is not present in population databases (ExAC no frequency). This variant has not been reported in the literature in individuals with ALDH18A1-related conditions. Algorithms developed to predict the effect of missense changes on protein structure and function (SIFT, PolyPhen-2, Align-GVGD) all suggest that this variant is likely to be tolerated, but these predictions have not been confirmed by published functional studies and their clinical significance is uncertain. In summary, the available evidence is currently insufficient to determine the role of this variant in disease. Therefore, it has been classified as a Variant of Uncertain Significance.

NM_002860.4(ALDH18A1):c.33G>C (p.Gln11His)

Gene: ALDH18A1 (aldehyde dehydrogenase 18 family member A1; minus strand). Cytogenetic location: 10q24.1.
Variant type: single nucleotide variant.
Coding change: c.33G>C on transcript NM_002860.4 (MANE Select); coding-DNA position 33, G replaced by C.
Protein change: p.Gln11His; replaces glutamine 11 with histidine.
Molecular consequence: missense variant. On other transcripts: 5 prime UTR variant (4).
Genome position (GRCh38, 1-based): chr10:95,653,345, C>G on the plus strand (G>C on the coding strand, the complement: ALDH18A1 is on the minus strand). VCF-style: chr10-95653345-C-G. GRCh37 (hg19) VCF-style: chr10-97413102-C-G.
Other names: c.33G>C, p.Gln11His (NM_001017423.2, NM_001323413.2, NM_001323414.2 and 2 more transcripts); c.-86G>C (NM_001323412.2, NM_001323416.2, NM_001323418.2); c.-134G>C (NM_001323419.2); short protein forms Q11H.
Identifiers: ClinVar variation 960965 (VCV000960965.10), dbSNP rs2097913334, ClinGen allele CA377710679.